The following is an entry in ClinVar:

NM_004370.6(COL12A1):c.4027T>A (p.Leu1343Ile)

Gene: COL12A1 (collagen type XII alpha 1 chain; minus strand). Cytogenetic location: 6q13.
Variant type: single nucleotide variant.
Coding change: c.4027T>A on transcript NM_004370.6 (MANE Select); coding-DNA position 4027, T replaced by A.
Protein change: p.Leu1343Ile; replaces leucine 1343 with isoleucine.
Molecular consequence: missense variant.
Genome position (GRCh38, 1-based): chr6:75,151,261, A>T on the plus strand (T>A on the coding strand, the complement: COL12A1 is on the minus strand). VCF-style: chr6-75151261-A-T. GRCh37 (hg19) VCF-style: chr6-75860977-A-T.
Other names: c.4027T>A, p.Leu1343Ile (NM_001424113.1, NM_001424114.1); c.3754T>A, p.Leu1252Ile (NM_001424115.1); c.535T>A, p.Leu179Ile (NM_001424116.1, NM_080645.3); short protein forms L1252I, L1343I, L179I.
Identifiers: ClinVar variation 4787895 (VCV004787895.1).
Genomic context (GRCh38, chr6:75,151,261, plus strand): 5'-ACTCAAAATCTGCCACATTGTATGCATGGGTATCATCAGGATCAGTTGCAATCATCTTTA[A>T]TTCGACTTCATCAGCATTTTTAATACCTTCAAAAACGGATATATACAAATTAAAAGCACT-3'
Protein context (NP_004361.3, residues 1333-1353): IGIKNADEVE[Leu1343Ile]KMIATDPDDT

ClinVar aggregate classification (germline): Uncertain significance (1 of 4 stars; one submission).

Conditions:
Ullrich congenital muscular dystrophy 2 (UCMD2). Identifiers: Orphanet 75840, MedGen C4225314, MONDO:0014654, OMIM 616470.
Bethlem myopathy 2 (BTHLM2). Identifiers: Orphanet 536516, Orphanet 610, MedGen C4225313, MONDO:0034022, OMIM 616471.

gnomAD v4.1: 11 of 1,613,176 alleles (0.00068%); highest among the groups gnomAD compares: Non-Finnish European, 0.00085%; no homozygotes.

Submission:

Labcorp Genetics (formerly Invitae), Labcorp
Classification: Uncertain significance for Bethlem myopathy 2; Ullrich congenital muscular dystrophy 2. Last evaluated: 2025-10-09. Review status: criteria provided, single submitter. Criteria: Invitae Variant Classification Sherloc (09022015). Collection method: clinical testing. Allele origin: germline.
Comment: This sequence change replaces leucine, which is neutral and non-polar, with isoleucine, which is neutral and non-polar, at codon 1343 of the COL12A1 protein (p.Leu1343Ile). This variant is not present in population databases (gnomAD no frequency). This variant has not been reported in the literature in individuals affected with COL12A1-related conditions. Invitae Evidence Modeling of protein sequence and biophysical properties (such as structural, functional, and spatial information, amino acid conservation, physicochemical variation, residue mobility, and thermodynamic stability) has been performed for this missense variant. However, the output from this modeling did not meet the statistical confidence thresholds required to predict the impact of this variant on COL12A1 protein function. In summary, the available evidence is currently insufficient to determine the role of this variant in disease. Therefore, it has been classified as a Variant of Uncertain Significance.